The following is an entry in ClinVar:

ClinVar aggregate classification (germline): Benign/Likely benign. Review status: criteria provided, multiple submitters, no conflicts (2 of 4 stars). 4 submissions from 4 submitters: Benign (2); Likely benign (1). 1 of the submissions does not count toward it. Last evaluated 2025-08-18.

Conditions:
CABIN1-related disorder. Also called: CABIN1-related condition.

Allele frequency attached by ClinVar (database versions not stated): 1000 Genomes Project 30x 0.00265; 1000 Genomes Project 0.00339; TOPMed 0.00350; ESP Exome Variant Server 0.00369.
gnomAD v4.1: 8,247 of 1,613,510 alleles (0.51%); highest among the groups gnomAD compares: South Asian, 0.73%; 39 homozygotes.

Submissions (7):

Genomic Medicine Center of Excellence, King Faisal Specialist Hospital and Research Centre
Classification: Likely benign. Last evaluated: 2025-08-18. Review status: criteria provided, single submitter. Criteria: ACMG Guidelines, 2015. Collection method: clinical testing. Allele origin: germline.

Labcorp Genetics (formerly Invitae), Labcorp
Classification: Benign. Last evaluated: 2018-03-28. Review status: criteria provided, single submitter. Criteria: Invitae Variant Classification Sherloc (09022015). Collection method: clinical testing. Allele origin: germline.

Breakthrough Genomics
Classification: Benign. Review status: criteria provided, single submitter. Criteria: ACMG Guidelines, 2015. Collection method: not provided. Allele origin: germline. Inheritance: Unknown mechanism. Affected: yes.

PreventionGenetics, part of Exact Sciences
Classification: Likely benign for CABIN1-related condition. Last evaluated: 2020-01-06. Review status: no assertion criteria provided. Collection method: clinical testing. Allele origin: germline. Not counted in ClinVar's aggregate classification.
Comment: This variant is classified as likely benign based on ACMG/AMP sequence variant interpretation guidelines (Richards et al. 2015 PMID: 25741868, with internal and published modifications).

Dr. Peter K. Rogan Lab, Western University
No classification provided (evidence only). Condition: Acute myeloid leukemia. Review status: no classification provided. Collection method: in vitro. Allele origin: not applicable. Functional consequence: retained intron. Not counted in ClinVar's aggregate classification.

Dr. Peter K. Rogan Lab, Western University
No classification provided (evidence only). Condition: Cervical cancer. Review status: no classification provided. Collection method: in vitro. Allele origin: not applicable. Functional consequence: retained intron. Not counted in ClinVar's aggregate classification.

Dr. Peter K. Rogan Lab, Western University
No classification provided (evidence only). Condition: Uveal melanoma. Review status: no classification provided. Collection method: in vitro. Allele origin: not applicable. Functional consequence: retained intron. Not counted in ClinVar's aggregate classification.

NM_012295.4(CABIN1):c.1262+10A>G

Gene: CABIN1 (calcineurin binding protein 1; plus strand). Cytogenetic location: 22q11.23.
Variant type: single nucleotide variant.
Coding change: c.1262+10A>G on transcript NM_012295.4 (MANE Select); 10 bases into the intron after coding-DNA position 1262, A replaced by G.
Molecular consequence: intron variant.
Genome position (GRCh38, 1-based): chr22:24,056,370, A>G. VCF-style: chr22-24056370-A-G. GRCh37 (hg19) VCF-style: chr22-24452833-A-G.
Other names: NC_000022.10:g.24452833A>G; c.1112+10A>G (NM_001201429.2); c.1262+10A>G (NM_001199281.1).
Identifiers: ClinVar variation 773096 (VCV000773096.8), dbSNP rs181541560, ClinGen allele CA10148562.